The following is an entry in ClinVar:

ClinVar aggregate classification (germline): Uncertain significance (1 of 4 stars; one submission).

Conditions:
Neuroblastoma, susceptibility to, 3. Also called: ALK-Related Neuroblastic Tumor Susceptibility. Identifiers: Orphanet 635, MedGen C2751681, MONDO:0013083, OMIM 613014.

Submission:

Labcorp Genetics (formerly Invitae), Labcorp
Classification: Uncertain significance for Neuroblastoma, susceptibility to, 3. Last evaluated: 2024-06-10. Review status: criteria provided, single submitter. Criteria: Invitae Variant Classification Sherloc (09022015). Collection method: clinical testing. Allele origin: germline.
Comment: This sequence change replaces proline, which is neutral and non-polar, with serine, which is neutral and polar, at codon 499 of the ALK protein (p.Pro499Ser). This variant is not present in population databases (gnomAD no frequency). This variant has not been reported in the literature in individuals affected with ALK-related conditions. Algorithms developed to predict the effect of missense changes on protein structure and function output the following: SIFT: "Not Available"; PolyPhen-2: "Benign"; Align-GVGD: "Not Available". The serine amino acid residue is found in multiple mammalian species, which suggests that this missense change does not adversely affect protein function. In summary, the available evidence is currently insufficient to determine the role of this variant in disease. Therefore, it has been classified as a Variant of Uncertain Significance.

NM_004304.5(ALK):c.1495C>T (p.Pro499Ser)

Gene: ALK (ALK receptor tyrosine kinase; minus strand). Cytogenetic location: 2p23.2.
Variant type: single nucleotide variant.
Coding change: c.1495C>T on transcript NM_004304.5 (MANE Select); coding-DNA position 1495, C replaced by T.
Protein change: p.Pro499Ser; replaces proline 499 with serine.
Molecular consequence: missense variant.
Genome position (GRCh38, 1-based): chr2:29,320,802, G>A on the plus strand (C>T on the coding strand, the complement: ALK is on the minus strand). VCF-style: chr2-29320802-G-A. GRCh37 (hg19) VCF-style: chr2-29543668-G-A.
Other names: short protein forms P499S.
Identifiers: ClinVar variation 3656169 (VCV003656169.2).